The following is an entry in ClinVar:

ClinVar aggregate classification (germline): Likely pathogenic (1 of 4 stars; one submission).

Conditions:
Hereditary cancer-predisposing syndrome. Also called: Tumor predisposition; Hereditary Cancer Syndrome; Neoplastic Syndromes, Hereditary; Hereditary neoplastic syndrome. Identifiers: Orphanet 140162, MedGen C0027672, MeSH D009386, MONDO:0015356.

Submission:

Ambry Genetics
Classification: Likely pathogenic for Hereditary cancer-predisposing syndrome. Last evaluated: 2017-12-21. Review status: criteria provided, single submitter. Criteria: Ambry Variant Classification Scheme 2023. Collection method: clinical testing. Allele origin: germline.
Comment: The c.291_296delCTACCC variant (also known as p.Y98_P99del) is located in coding exon 1 of the VHL gene. This variant results from an in-frame CTACCC deletion at nucleotide positions 291 to 296. This results in the in-frame deletion of two amino acids (YP) at codons 98 to 99. An additional missense alteration at one of the deleted codons, p.Y98H, has been reported in multiple Von Hippel-Lindau families in the literature (Boedeker CC et al. J Clin Endocrinol Metab. 2009;94(6):1938-44; Gallou C et al. Hum. Mutat., 2004 Sep;24:215-24; Nielsen SM et al. Am. J. Med. Genet. A, 2011 Jan;155A:168-73). Internal structural analysis of the c.291_296delCTACCC variant suggests that it results in the elimination of specific interactions with HIF1&alpha; and impairs HIF1&alpha; binding (Min JH et al. Science, 2002 Jun;296:1886-9; Van Molle I et al. Chem. Biol., 2012 Oct;19:1300-12). The deleted amino acid region is well conserved in available vertebrate species. Based on the majority of available evidence to date, this variant is likely to be pathogenic.

Literature cited by the submitters: PubMed 12004076; PubMed 23102223.

NM_000551.4(VHL):c.291_296del (p.Tyr98_Pro99del)

Gene: VHL (von Hippel-Lindau tumor suppressor; plus strand). Cytogenetic location: 3p25.3.
Variant type: Deletion.
Coding change: c.291_296del on transcript NM_000551.4 (MANE Select); coding-DNA positions 291 to 296, 6 bases deleted (CTACCC; older notation c.291_296delCTACCC).
Protein change: p.Tyr98_Pro99del.
Molecular consequence: inframe deletion.
Genome position (GRCh38, 1-based): chr3:10,142,138-10,142,143, CTACCC deleted; deleting any 6 consecutive bases within chr3:10,142,136-10,142,143 gives the same sequence; the c. name uses the placement nearest the transcript's 3' end. VCF-style (leftmost placement, unchanged base first): chr3-10142135-GCCCTAC-G. GRCh37 (hg19) VCF-style: chr3-10183819-GCCCTAC-G.
Other names: c.291_296del, p.Tyr98_Pro99del (NM_001354723.2, NM_198156.3).
Identifiers: ClinVar variation 821976 (VCV000821976.4), dbSNP rs1575922271, ClinGen allele CA915941835.